The following is an entry in ClinVar:

NM_003185.4(TAF4):c.853_860del (p.Gly285fs)

Gene: TAF4 (TATA-box binding protein associated factor 4; minus strand). Cytogenetic location: 20q13.33.
Variant type: Deletion.
Coding change: c.853_860del on transcript NM_003185.4 (MANE Select); coding-DNA positions 853 to 860, 8 bases deleted (GGCCACCC; older notation c.853_860delGGCCACCC).
Protein change: p.Gly285fs; shifts the reading frame from glycine 285.
Molecular consequence: frameshift variant.
Genome position (GRCh38, 1-based): chr20:62,064,951-62,064,958, GGGTGGCC deleted on the plus strand (GGCCACCC on the coding strand, the reverse complement: TAF4 is on the minus strand); deleting any 8 consecutive bases within chr20:62,064,951-62,064,961 gives the same sequence; the c. name uses the placement nearest the transcript's 3' end. VCF-style (leftmost placement, unchanged base first): chr20-62064950-GGGGTGGCC-G. GRCh37 (hg19) VCF-style: chr20-60640006-GGGGTGGCC-G.
Other names: short protein forms G285fs.
Identifiers: ClinVar variation 1687439 (VCV001687439.3), dbSNP rs2145530654, ClinGen allele CA2573157255.

ClinVar aggregate classification (germline): Likely pathogenic (1 of 4 stars; one submission).

Conditions:
Intellectual developmental disorder, autosomal dominant 73 (MRD73). Also called: TAF4-RELATED NDD; TAF4-RELATED NEURODEVELOPMENTAL DISORDER. Identifiers: MedGen C5830636, MONDO:0957536, OMIM 620450.

Submission:

3billion
Classification: Likely pathogenic for Intellectual developmental disorder, autosomal dominant 73. Last evaluated: 2023-07-31. Review status: criteria provided, single submitter. Criteria: ACMG Guidelines, 2015. Collection method: clinical testing. Allele origin: germline. Affected: yes.
Comment: The variant is not observed in the gnomAD v2.1.1 dataset. Predicted Consequence/Location: Frameshift: predicted to result in a loss or disruption of normal protein function through nonsense-mediated decay (NMD) or protein truncation. Multiple pathogenic variants are reported downstream of the variant (PMID: 35904126). Therefore, this variant is classified as Likely pathogenic according to the recommendation of ACMG/AMP guideline.